The following is an entry in ClinVar:

NM_198578.4(LRRK2):c.3636A>G (p.Pro1212=)

Gene: LRRK2 (leucine rich repeat kinase 2; plus strand). Cytogenetic location: 12q12.
Variant type: single nucleotide variant.
Coding change: c.3636A>G on transcript NM_198578.4 (MANE Select); coding-DNA position 3636, A replaced by G.
Protein change: p.Pro1212=; no amino-acid change (proline 1212 retained).
Molecular consequence: synonymous variant.
Genome position (GRCh38, 1-based): chr12:40,303,993, A>G. VCF-style: chr12-40303993-A-G. GRCh37 (hg19) VCF-style: chr12-40697795-A-G.
Identifiers: ClinVar variation 1733450 (VCV001733450.17), dbSNP rs200643098, ClinGen allele CA6513969.

ClinVar aggregate classification (germline): Likely benign. Review status: criteria provided, multiple submitters, no conflicts (2 of 4 stars). 3 submissions from 3 submitters: Likely benign (3). Last evaluated 2025-11-01.

Conditions:
Autosomal dominant Parkinson disease 8. Also called: LRRK2-Related Parkinson Disease; Parkinson disease 8; Parkinson disease 8, susceptibility to. Identifiers: Orphanet 411602, MedGen C1846862, MONDO:0011764, OMIM 607060.
Inborn genetic diseases. Identifiers: MedGen C0950123, MeSH D030342.

Allele frequency attached by ClinVar (database versions not stated): ExAC 0.00002; gnomAD 0.00003; gnomAD exomes 0.00003; TOPMed 0.00003.
gnomAD v4.1: 55 of 1,613,662 alleles (0.0034%); highest among the groups gnomAD compares: Non-Finnish European, 0.0045%; no homozygotes.

Submissions (3):

CeGaT Center for Human Genetics Tuebingen
Classification: Likely benign. Last evaluated: 2025-11-01. Review status: criteria provided, single submitter. Criteria: CeGaT Center For Human Genetics Tuebingen Variant Classification Criteria Version 2. Collection method: clinical testing. Allele origin: germline. Affected: yes. Observed: 2 variant alleles.
Comment: LRRK2: BP4, BP7

Labcorp Genetics (formerly Invitae), Labcorp
Classification: Likely benign for Autosomal dominant Parkinson disease 8. Last evaluated: 2025-08-24. Review status: criteria provided, single submitter. Criteria: Invitae Variant Classification Sherloc (09022015). Collection method: clinical testing. Allele origin: germline.

Ambry Genetics
Classification: Likely benign for Inborn genetic diseases. Last evaluated: 2022-02-23. Review status: criteria provided, single submitter. Criteria: Ambry Variant Classification Scheme 2023. Collection method: clinical testing. Allele origin: germline.